The following is an entry in ClinVar:

ClinVar aggregate classification (germline): Conflicting classifications of pathogenicity. Review status: criteria provided, conflicting classifications (1 of 4 stars). 4 submissions from 4 submitters: Uncertain significance (2); Likely benign (2). Last evaluated 2025-12-29.

Conditions:
POLD1-related polyposis and colorectal cancer syndrome (CRCS10). Also called: Colorectal cancer 10; COLORECTAL CANCER, SUSCEPTIBILITY TO, ON CHROMOSOME 19q; Colorectal cancer, susceptibility to, 10. Identifiers: Orphanet 220460, MedGen C2675481, MONDO:0012953, OMIM 612591.
Hereditary cancer-predisposing syndrome. Also called: Neoplastic Syndromes, Hereditary; Hereditary neoplastic syndrome; Tumor predisposition; Hereditary Cancer Syndrome. Identifiers: Orphanet 140162, MedGen C0027672, MeSH D009386, MONDO:0015356.

Allele frequency attached by ClinVar (database versions not stated): TOPMed below 0.00001; gnomAD 0.00001; gnomAD exomes 0.00001.
gnomAD v4.1: 14 of 1,613,950 alleles (0.00087%); highest among the groups gnomAD compares: Admixed American, 0.0083%; no homozygotes.

Submissions (4):

Center for Genomic Medicine, Rigshospitalet, Copenhagen University Hospital
Classification: Likely benign. Last evaluated: 2025-12-29. Review status: criteria provided, single submitter. Criteria: ACMG Guidelines, 2015. Collection method: clinical testing. Allele origin: germline.
Comment: Classification criteria: BS1, BP4_Moderate

Labcorp Genetics (formerly Invitae), Labcorp
Classification: Uncertain significance for POLD1-related polyposis and colorectal cancer syndrome. Last evaluated: 2025-11-20. Review status: criteria provided, single submitter. Criteria: Invitae Variant Classification Sherloc (09022015). Collection method: clinical testing. Allele origin: germline.
Comment: This sequence change replaces glutamic acid, which is acidic and polar, with lysine, which is basic and polar, at codon 159 of the POLD1 protein (p.Glu159Lys). This variant is present in population databases (no rsID available, gnomAD 0.005%). This variant has not been reported in the literature in individuals affected with POLD1-related conditions. ClinVar contains an entry for this variant (Variation ID: 469357). Invitae Evidence Modeling of protein sequence and biophysical properties (such as structural, functional, and spatial information, amino acid conservation, physicochemical variation, residue mobility, and thermodynamic stability) indicates that this missense variant is not expected to disrupt POLD1 protein function with a negative predictive value of 80%. In summary, the available evidence is currently insufficient to determine the role of this variant in disease. Therefore, it has been classified as a Variant of Uncertain Significance.

Ambry Genetics
Classification: Likely benign for Hereditary cancer-predisposing syndrome. Last evaluated: 2025-02-26. Review status: criteria provided, single submitter. Criteria: Ambry Variant Classification Scheme 2023. Collection method: clinical testing. Allele origin: germline.

GeneDx
Classification: Uncertain significance. Last evaluated: 2023-04-24. Review status: criteria provided, single submitter. Criteria: GeneDx Variant Classification Process June 2021. Collection method: clinical testing. Allele origin: germline. Affected: yes.
Comment: Not observed at significant frequency in large population cohorts (gnomAD); In silico analysis supports that this missense variant does not alter protein structure/function; Has not been previously published as pathogenic or benign to our knowledge

Literature cited by the submitters: PubMed 37848928 (cited by Center for Genomic Medicine, Rigshospitalet, Copenhagen University Hospital).

NM_002691.4(POLD1):c.475G>A (p.Glu159Lys)

Gene: POLD1 (DNA polymerase delta 1, catalytic subunit; plus strand). Cytogenetic location: 19q13.33.
Variant type: single nucleotide variant.
Coding change: c.475G>A on transcript NM_002691.4 (MANE Select); coding-DNA position 475, G replaced by A.
Protein change: p.Glu159Lys; replaces glutamic acid 159 with lysine.
Molecular consequence: missense variant. On other transcripts: non-coding transcript variant (1).
Genome position (GRCh38, 1-based): chr19:50,402,010, G>A. VCF-style: chr19-50402010-G-A. GRCh37 (hg19) VCF-style: chr19-50905267-G-A.
Other names: c.475G>A, p.Glu159Lys (NM_001256849.1, NM_001308632.1); c.475G>A (NM_002691.2); short protein forms E159K.
Identifiers: ClinVar variation 469357 (VCV000469357.21), dbSNP rs969950434, ClinGen allele CA309599275.